The following is an entry in ClinVar:

ClinVar aggregate classification (germline): Uncertain significance. Review status: criteria provided, multiple submitters, no conflicts (2 of 4 stars). 4 submissions from 4 submitters: Uncertain significance (4). Last evaluated 2025-12-13.

Conditions:
Cardiofaciocutaneous syndrome 4 (CFC4). Also called: MAP2K2-Related Cardiofaciocutaneous Syndrome. Identifiers: Orphanet 1340, MedGen C3809007, MONDO:0014114, OMIM 615280.
Cardiovascular phenotype. Identifiers: MedGen CN230736.
RASopathy. Also called: rasopathies; Noonan spectrum disorder. Identifiers: Orphanet 536391, MedGen C5555857, MONDO:0021060.

Allele frequency attached by ClinVar (database versions not stated): TOPMed 0.00002; gnomAD 0.00003.
gnomAD v4.1: 27 of 1,614,062 alleles (0.0017%); highest among the groups gnomAD compares: South Asian, 0.0066%; no homozygotes.

Submissions (4):

Labcorp Genetics (formerly Invitae), Labcorp
Classification: Uncertain significance for RASopathy. Last evaluated: 2025-12-13. Review status: criteria provided, single submitter. Criteria: Invitae Variant Classification Sherloc (09022015). Collection method: clinical testing. Allele origin: germline.
Comment: This sequence change replaces glutamic acid, which is acidic and polar, with lysine, which is basic and polar, at codon 73 of the MAP2K2 protein (p.Glu73Lys). This variant is present in population databases (rs187018595, gnomAD 0.01%). This variant has not been reported in the literature in individuals affected with MAP2K2-related conditions. ClinVar contains an entry for this variant (Variation ID: 543971). Invitae Evidence Modeling incorporating data from in vitro experimental studies (internal data) indicates that this missense variant is not expected to disrupt MAP2K2 function with a negative predictive value of 95%. In summary, the available evidence is currently insufficient to determine the role of this variant in disease. Therefore, it has been classified as a Variant of Uncertain Significance.

Ambry Genetics
Classification: Uncertain significance for Cardiovascular phenotype. Last evaluated: 2025-01-04. Review status: criteria provided, single submitter. Criteria: Ambry Variant Classification Scheme 2023. Collection method: clinical testing. Allele origin: germline.
Comment: The p.E73K variant (also known as c.217G>A), located in coding exon 2 of the MAP2K2 gene, results from a G to A substitution at nucleotide position 217. The glutamic acid at codon 73 is replaced by lysine, an amino acid with similar properties. This amino acid position is conserved. In addition, the in silico prediction for this alteration is inconclusive. Since supporting evidence is limited at this time, the clinical significance of this alteration remains unclear.

Fulgent Genetics
Classification: Uncertain significance for Cardiofaciocutaneous syndrome 4. Last evaluated: 2024-02-05. Review status: criteria provided, single submitter. Criteria: ACMG Guidelines, 2015. Collection method: clinical testing. Allele origin: germline.

Blueprint Genetics
Classification: Uncertain significance. Last evaluated: 2023-11-06. Review status: criteria provided, single submitter. Criteria: ACMG Guidelines, 2015. Collection method: clinical testing. Allele origin: germline.

NM_030662.4(MAP2K2):c.217G>A (p.Glu73Lys)

Gene: MAP2K2 (mitogen-activated protein kinase kinase 2; minus strand). Cytogenetic location: 19p13.3.
Variant type: single nucleotide variant.
Coding change: c.217G>A on transcript NM_030662.4 (MANE Select); coding-DNA position 217, G replaced by A.
Protein change: p.Glu73Lys; replaces glutamic acid 73 with lysine.
Molecular consequence: missense variant.
Genome position (GRCh38, 1-based): chr19:4,117,505, C>T on the plus strand (G>A on the coding strand, the complement: MAP2K2 is on the minus strand). VCF-style: chr19-4117505-C-T. GRCh37 (hg19) VCF-style: chr19-4117503-C-T.
Other names: short protein forms E73K.
Identifiers: ClinVar variation 543971 (VCV000543971.12), dbSNP rs187018595, ClinGen allele CA9091077.